The following is an entry in ClinVar:

NM_002878.4(RAD51D):c.193C>G (p.Pro65Ala)

Genes: RAD51D (RAD51 paralog D; minus strand), RAD51L3-RFFL (RAD51L3-RFFL readthrough; minus strand). Cytogenetic location: 17q12.
Variant type: single nucleotide variant.
Coding change: c.193C>G on transcript NM_002878.4 (MANE Select); coding-DNA position 193, C replaced by G.
Protein change: p.Pro65Ala; replaces proline 65 with alanine.
Molecular consequence: missense variant. On other transcripts: intron variant (2).
Genome position (GRCh38, 1-based): chr17:35,118,571, G>C on the plus strand (C>G on the coding strand, the complement: RAD51D is on the minus strand). VCF-style: chr17-35118571-G-C. GRCh37 (hg19) VCF-style: chr17-33445590-G-C.
Other names: c.144+540C>G (NM_133629.3, NM_001142571.2); short protein forms P65A.
Identifiers: ClinVar variation 922070 (VCV000922070.17), dbSNP rs766692136, ClinGen allele CA399091421.
Genomic context (GRCh38, chr17:35,118,571, plus strand): 5'-CAGTGGACAGGATGGCAGTGGAGGTCTTCAGTTCCTCGTAGAGATCAGCGCCATTCACGG[G>C]GAAAGCCGAGAACTGAGCCAGCAGCACCCGCCTCAGGGCAACCAGGGCCTGCCAAAGGGC-3'
Protein context (NP_002869.3, residues 55-75): RVLLAQFSAF[Pro65Ala]VNGADLYEEL

ClinVar aggregate classification (germline): Uncertain significance. Review status: criteria provided, multiple submitters, no conflicts (2 of 4 stars). 4 submissions from 4 submitters: Uncertain significance (4). Last evaluated 2024-12-15.

Conditions:
Breast-ovarian cancer, familial, susceptibility to, 4. Identifiers: Orphanet 145, MedGen C3280345, MONDO:0013669, OMIM 614291.
Hereditary cancer-predisposing syndrome. Also called: Neoplastic Syndromes, Hereditary; Tumor predisposition; Hereditary Cancer Syndrome; Hereditary neoplastic syndrome. Identifiers: Orphanet 140162, MedGen C0027672, MeSH D009386, MONDO:0015356.

Submissions (4):

Ambry Genetics
Classification: Uncertain significance for Hereditary cancer-predisposing syndrome. Last evaluated: 2024-12-15. Review status: criteria provided, single submitter. Criteria: Ambry Variant Classification Scheme 2023. Collection method: clinical testing. Allele origin: germline.
Comment: The p.P65A variant (also known as c.193C>G), located in coding exon 3 of the RAD51D gene, results from a C to G substitution at nucleotide position 193. The proline at codon 65 is replaced by alanine, an amino acid with highly similar properties. This amino acid position is highly conserved in available vertebrate species. In addition, the in silico prediction for this alteration is inconclusive. Since supporting evidence is limited at this time, the clinical significance of this alteration remains unclear.

Color Diagnostics, LLC DBA Color Health
Classification: Uncertain significance for Hereditary cancer-predisposing syndrome. Last evaluated: 2024-03-06. Review status: criteria provided, single submitter. Criteria: ACMG Guidelines, 2015. Collection method: clinical testing. Allele origin: germline.
Comment: This missense variant replaces proline with alanine at codon 65 of the RAD51D protein. Computational prediction suggests that this variant may not impact protein structure and function (internally defined REVEL score threshold <= 0.5, PMID: 27666373). To our knowledge, functional studies have not been reported for this variant. This variant has not been reported in individuals affected with RAD51D-related disorders in the literature. This variant has not been identified in the general population by the Genome Aggregation Database (gnomAD). The available evidence is insufficient to determine the role of this variant in disease conclusively. Therefore, this variant is classified as a Variant of Uncertain Significance.

Baylor Genetics
Classification: Uncertain significance for Breast-ovarian cancer, familial, susceptibility to, 4. Last evaluated: 2023-06-24. Review status: criteria provided, single submitter. Criteria: ACMG Guidelines, 2015. Collection method: clinical testing. Allele origin: unknown.

Labcorp Genetics (formerly Invitae), Labcorp
Classification: Uncertain significance for Breast-ovarian cancer, familial, susceptibility to, 4. Last evaluated: 2020-01-30. Review status: criteria provided, single submitter. Criteria: Invitae Variant Classification Sherloc (09022015). Collection method: clinical testing. Allele origin: germline.
Comment: This variant has not been reported in the literature in individuals with RAD51D-related conditions. Algorithms developed to predict the effect of missense changes on protein structure and function are either unavailable or do not agree on the potential impact of this missense change (SIFT: "Tolerated"; PolyPhen-2: "Possibly Damaging"; Align-GVGD: "Class C0"). In summary, the available evidence is currently insufficient to determine the role of this variant in disease. Therefore, it has been classified as a Variant of Uncertain Significance. This sequence change replaces proline with alanine at codon 65 of the RAD51D protein (p.Pro65Ala). The proline residue is highly conserved and there is a small physicochemical difference between proline and alanine. This variant is not present in population databases (ExAC no frequency).